The following is an entry in ClinVar:

ClinVar aggregate classification (germline): Uncertain significance. Review status: criteria provided, multiple submitters, no conflicts (2 of 4 stars). 4 submissions from 4 submitters: Uncertain significance (4). Last evaluated 2025-08-11.

Conditions:
Inborn genetic diseases. Identifiers: MedGen C0950123, MeSH D030342.
Neuronal ceroid lipofuscinosis 7 (CLN7). Also called: MFSD8-Related Neuronal Ceroid-Lipofuscinosis. Identifiers: Orphanet 168491, Orphanet 228366, MedGen C1838571, MONDO:0012588, OMIM 610951.

Allele frequency attached by ClinVar (database versions not stated): ExAC 0.00001; gnomAD 0.00001; TOPMed 0.00001; ESP Exome Variant Server 0.00008.
gnomAD v4.1: 4 of 1,613,912 alleles (0.00025%); highest among the groups gnomAD compares: African/African-American, 0.004%; no homozygotes.

Submissions (4):

Ambry Genetics
Classification: Uncertain significance for Inborn genetic diseases. Last evaluated: 2025-08-11. Review status: criteria provided, single submitter. Criteria: Ambry Variant Classification Scheme 2023. Collection method: clinical testing. Allele origin: germline.

GeneDx
Classification: Uncertain significance. Last evaluated: 2023-05-31. Review status: criteria provided, single submitter. Criteria: GeneDx Variant Classification Process June 2021. Collection method: clinical testing. Allele origin: germline. Affected: yes.
Comment: Not observed at significant frequency in large population cohorts (gnomAD); In silico analysis supports that this missense variant does not alter protein structure/function; Has not been previously published as pathogenic or benign to our knowledge

Labcorp Genetics (formerly Invitae), Labcorp
Classification: Uncertain significance for Neuronal ceroid lipofuscinosis 7. Last evaluated: 2022-07-19. Review status: criteria provided, single submitter. Criteria: Invitae Variant Classification Sherloc (09022015). Collection method: clinical testing. Allele origin: germline.
Comment: This sequence change replaces glutamine, which is neutral and polar, with glutamic acid, which is acidic and polar, at codon 474 of the MFSD8 protein (p.Gln474Glu). This variant is present in population databases (rs370663969, gnomAD 0.007%). This variant has not been reported in the literature in individuals affected with MFSD8-related conditions. Algorithms developed to predict the effect of missense changes on protein structure and function (SIFT, PolyPhen-2, Align-GVGD) all suggest that this variant is likely to be tolerated. In summary, the available evidence is currently insufficient to determine the role of this variant in disease. Therefore, it has been classified as a Variant of Uncertain Significance.

Blueprint Genetics
Classification: Uncertain significance. Last evaluated: 2019-09-09. Review status: criteria provided, single submitter. Criteria: ACMG Guidelines, 2015. Collection method: clinical testing. Allele origin: germline.

NM_001371596.2(MFSD8):c.1420C>G (p.Gln474Glu)

Gene: MFSD8 (major facilitator superfamily domain containing 8; minus strand). Cytogenetic location: 4q28.2.
Variant type: single nucleotide variant.
Coding change: c.1420C>G on transcript NM_001371596.2 (MANE Select); coding-DNA position 1420, C replaced by G.
Protein change: p.Gln474Glu; replaces glutamine 474 with glutamic acid.
Molecular consequence: missense variant.
Genome position (GRCh38, 1-based): chr4:127,920,767, G>C on the plus strand (C>G on the coding strand, the complement: MFSD8 is on the minus strand). VCF-style: chr4-127920767-G-C. GRCh37 (hg19) VCF-style: chr4-128841922-G-C.
Other names: c.1219C>G, p.Gln407Glu (NM_001363520.3); c.1105C>G, p.Gln369Glu (NM_001363521.3); c.1285C>G, p.Gln429Glu (NM_001371590.2); c.1429C>G, p.Gln477Glu (NM_001371591.2); c.1426C>G, p.Gln476Glu (NM_001371592.2); c.1306C>G, p.Gln436Glu (NM_001371593.2); c.1273C>G, p.Gln425Glu (NM_001371594.2); c.1138C>G, p.Gln380Glu (NM_001371595.1); and 4 more; short protein forms Q476E, Q425E, Q429E, Q474E, Q477E, Q380E, Q324E, Q369E.
Identifiers: ClinVar variation 2180860 (VCV002180860.4), dbSNP rs370663969, ClinGen allele CA3077226.